The following is an entry in ClinVar:

NM_206933.4(USH2A):c.11389+1G>T

Gene: USH2A (usherin; minus strand). Cytogenetic location: 1q41.
Variant type: single nucleotide variant.
Coding change: c.11389+1G>T on transcript NM_206933.4 (MANE Select); the canonical splice donor site of the intron after coding-DNA position 11389, G replaced by T.
Molecular consequence: splice donor variant.
Genome position (GRCh38, 1-based): chr1:215,758,594, C>A on the plus strand (G>T on the coding strand, the complement: USH2A is on the minus strand). VCF-style: chr1-215758594-C-A. GRCh37 (hg19) VCF-style: chr1-215931936-C-A.
Identifiers: ClinVar variation 1065778 (VCV001065778.8), dbSNP rs368770647, ClinGen allele CA1393758.

ClinVar aggregate classification (germline): Pathogenic/Likely pathogenic. Review status: criteria provided, multiple submitters, no conflicts (2 of 4 stars). 4 submissions from 4 submitters: Pathogenic (1); Likely pathogenic (3). Last evaluated 2023-09-11.

Conditions:
Retinitis pigmentosa 39 (RP39). Identifiers: Orphanet 791, MedGen C3151138, MONDO:0013436, OMIM 613809.

Allele frequency attached by ClinVar (database versions not stated): gnomAD exomes below 0.00001 and 0.00001; ExAC 0.00002.
gnomAD v4.1: 3 of 1,603,502 alleles (0.00019%); highest among the groups gnomAD compares: Non-Finnish European, 0.00026%; no homozygotes.

Submissions (4):

Baylor Genetics
Classification: Likely pathogenic for Retinitis pigmentosa 39. Last evaluated: 2023-09-11. Review status: criteria provided, single submitter. Criteria: ACMG Guidelines, 2015. Collection method: clinical testing. Allele origin: unknown.

Genome-Nilou Lab
Classification: Likely pathogenic for Retinitis pigmentosa 39. Last evaluated: 2023-04-11. Review status: criteria provided, single submitter. Criteria: ACMG Guidelines, 2015. Collection method: clinical testing. Allele origin: germline. Affected: no.

Labcorp Genetics (formerly Invitae), Labcorp
Classification: Pathogenic. Last evaluated: 2021-08-12. Review status: criteria provided, single submitter. Criteria: Invitae Variant Classification Sherloc (09022015). Collection method: clinical testing. Allele origin: germline.
Comment: This sequence change affects a donor splice site in intron 58 of the USH2A gene. It is expected to disrupt RNA splicing. Variants that disrupt the donor or acceptor splice site typically lead to a loss of protein function (PMID: 16199547), and loss-of-function variants in USH2A are known to be pathogenic (PMID: 10729113, 10909849, 20507924, 25649381). This variant is present in population databases (rs368770647, ExAC 0.003%). Disruption of this splice site has been observed in individuals with retinal dystrophy (PMID: 25356976, 31736247). Algorithms developed to predict the effect of sequence changes on RNA splicing suggest that this variant may disrupt the consensus splice site. For these reasons, this variant has been classified as Pathogenic.

Ocular Genomics Institute, Massachusetts Eye and Ear
Classification: Likely pathogenic for Retinitis pigmentosa 39. Last evaluated: 2021-04-08. Review status: criteria provided, single submitter. Criteria: ACMG Guidelines, 2015. Collection method: research. Allele origin: germline. Affected: yes.
Comment: Through a review of available evidence we were able to apply the following criteria: PVS1 PM2. Based on this evidence we have classified this variant as Likely Pathogenic.

Literature cited by the submitters: PubMed 16199547 (cited by Labcorp Genetics (formerly Invitae), Labcorp); PubMed 10729113 (cited by Labcorp Genetics (formerly Invitae), Labcorp); PubMed 10909849 (cited by Labcorp Genetics (formerly Invitae), Labcorp); PubMed 20507924 (cited by Labcorp Genetics (formerly Invitae), Labcorp); PubMed 25649381 (cited by Labcorp Genetics (formerly Invitae), Labcorp); PubMed 25356976 (cited by Labcorp Genetics (formerly Invitae), Labcorp); PubMed 31736247 (cited by Labcorp Genetics (formerly Invitae), Labcorp).